The following is an entry in ClinVar:

ClinVar aggregate classification (germline): Uncertain significance (1 of 4 stars; one submission).

Conditions:
Cardiovascular phenotype. Identifiers: MedGen CN230736.

Allele frequency attached by ClinVar (database versions not stated): gnomAD exomes below 0.00001; TOPMed below 0.00001; gnomAD 0.00001.

Submission:

Ambry Genetics
Classification: Uncertain significance for Cardiovascular phenotype. Last evaluated: 2024-03-14. Review status: criteria provided, single submitter. Criteria: Ambry Variant Classification Scheme 2023. Collection method: clinical testing. Allele origin: germline.
Comment: The p.N385S variant (also known as c.1154A>G), located in coding exon 4 of the SHOC2 gene, results from an A to G substitution at nucleotide position 1154. The asparagine at codon 385 is replaced by serine, an amino acid with highly similar properties. This amino acid position is conserved. In addition, this alteration is predicted to be tolerated by in silico analysis. Based on the available evidence, the clinical significance of this alteration remains unclear.

NM_007373.4(SHOC2):c.1154A>G (p.Asn385Ser)

Gene: SHOC2 (SHOC2 leucine rich repeat scaffold protein; plus strand). Cytogenetic location: 10q25.2.
Variant type: single nucleotide variant.
Coding change: c.1154A>G on transcript NM_007373.4 (MANE Select); coding-DNA position 1154, A replaced by G.
Protein change: p.Asn385Ser; replaces asparagine 385 with serine.
Molecular consequence: missense variant. On other transcripts: non-coding transcript variant (1).
Genome position (GRCh38, 1-based): chr10:111,004,787, A>G. VCF-style: chr10-111004787-A-G. GRCh37 (hg19) VCF-style: chr10-112764545-A-G.
Other names: c.1016A>G, p.Asn339Ser (NM_001269039.3); c.1154A>G, p.Asn385Ser (NM_001324336.2, NM_001324337.2); short protein forms N339S, N385S.
Identifiers: ClinVar variation 3226183 (VCV003226183.1), dbSNP rs1465220154, ClinGen allele CA378523265.